The following is an entry in ClinVar:

NM_004655.4(AXIN2):c.847T>C (p.Tyr283His)

Gene: AXIN2 (axin 2; minus strand). Cytogenetic location: 17q24.1.
Variant type: single nucleotide variant.
Coding change: c.847T>C on transcript NM_004655.4 (MANE Select); coding-DNA position 847, T replaced by C.
Protein change: p.Tyr283His; replaces tyrosine 283 with histidine.
Molecular consequence: missense variant.
Genome position (GRCh38, 1-based): chr17:65,549,629, A>G on the plus strand (T>C on the coding strand, the complement: AXIN2 is on the minus strand). VCF-style: chr17-65549629-A-G. GRCh37 (hg19) VCF-style: chr17-63545747-A-G.
Other names: c.847T>C, p.Tyr283His (NM_001363813.1); short protein forms Y283H.
Identifiers: ClinVar variation 1036427 (VCV001036427.8), dbSNP rs2044164596, ClinGen allele CA400679650.
Genomic context (GRCh38, chr17:65,549,629, plus strand): 5'-ATATCTCACTGTCGTTGGCGCTGGTGGCTGGTGCAAAGACATAGCCAGAACCTATGTGAT[A>G]AGGATTAACAGGATCGCTCCTCTTGAAGGACCTATGGGCAAAGTACAAAAGTGGTTCAGT-3'
Protein context (NP_004646.3, residues 273-293): SFKRSDPVNP[Tyr283His]HIGSGYVFAP

ClinVar aggregate classification (germline): Uncertain significance (1 of 4 stars; one submission).

Conditions:
Oligodontia-cancer predisposition syndrome. Also called: TOOTH AGENESIS-COLORECTAL CANCER SYNDROME. Identifiers: Orphanet 300576, MedGen C1837750, MONDO:0012075, OMIM 608615. Disease mechanism: loss of function.

Submission:

Labcorp Genetics (formerly Invitae), Labcorp
Classification: Uncertain significance for Oligodontia-cancer predisposition syndrome. Last evaluated: 2020-10-19. Review status: criteria provided, single submitter. Criteria: Invitae Variant Classification Sherloc (09022015). Collection method: clinical testing. Allele origin: germline.
Comment: This sequence change replaces tyrosine with histidine at codon 283 of the AXIN2 protein (p.Tyr283His). The tyrosine residue is moderately conserved and there is a moderate physicochemical difference between tyrosine and histidine. In summary, the available evidence is currently insufficient to determine the role of this variant in disease. Therefore, it has been classified as a Variant of Uncertain Significance. Algorithms developed to predict the effect of missense changes on protein structure and function are either unavailable or do not agree on the potential impact of this missense change (SIFT: "Tolerated"; PolyPhen-2: "Possibly Damaging"; Align-GVGD: "Class C0"). This variant has not been reported in the literature in individuals with AXIN2-related conditions. This variant is not present in population databases (ExAC no frequency).